The following is an entry in ClinVar:

ClinVar aggregate classification (germline): Conflicting classifications of pathogenicity. Review status: criteria provided, conflicting classifications (1 of 4 stars). 2 submissions from 2 submitters: Uncertain significance (1); Likely benign (1). Last evaluated 2026-01-19.

Conditions:
Charcot-Marie-Tooth disease type 2. Also called: Charcot-Marie-Tooth type 2. Identifiers: Orphanet 64746, MedGen C0270914, MONDO:0018993.

Allele frequency attached by ClinVar (database versions not stated): gnomAD 0.00002; gnomAD exomes 0.00004; 1000 Genomes Project 30x 0.00031; TOPMed 0.00001; 1000 Genomes Project 0.00040; ExAC 0.00010.
gnomAD v4.1: 58 of 1,614,078 alleles (0.0036%); highest among the groups gnomAD compares: South Asian, 0.056%; no homozygotes.

Submissions (2):

Labcorp Genetics (formerly Invitae), Labcorp
Classification: Uncertain significance for Charcot-Marie-Tooth disease type 2. Last evaluated: 2026-01-19. Review status: criteria provided, single submitter. Criteria: Invitae Variant Classification Sherloc (09022015). Collection method: clinical testing. Allele origin: germline.
Comment: This sequence change replaces serine, which is neutral and polar, with asparagine, which is neutral and polar, at codon 819 of the KIF1B protein (p.Ser819Asn). This variant is present in population databases (rs573774777, gnomAD 0.06%), and has an allele count higher than expected for a pathogenic variant. This variant has not been reported in the literature in individuals affected with KIF1B-related conditions. ClinVar contains an entry for this variant (Variation ID: 1791551). Invitae Evidence Modeling of protein sequence and biophysical properties (such as structural, functional, and spatial information, amino acid conservation, physicochemical variation, residue mobility, and thermodynamic stability) indicates that this missense variant is not expected to disrupt KIF1B protein function with a negative predictive value of 80%. In summary, the available evidence is currently insufficient to determine the role of this variant in disease. Therefore, it has been classified as a Variant of Uncertain Significance.

Ambry Genetics
Classification: Likely benign. Last evaluated: 2024-05-20. Review status: criteria provided, single submitter. Criteria: Ambry Variant Classification Scheme 2023. Collection method: clinical testing. Allele origin: germline.

NM_001365951.3(KIF1B):c.2594G>A (p.Ser865Asn)

Gene: KIF1B (kinesin family member 1B; plus strand). Cytogenetic location: 1p36.22.
Variant type: single nucleotide variant.
Coding change: c.2594G>A on transcript NM_001365951.3 (MANE Select); coding-DNA position 2594, G replaced by A.
Protein change: p.Ser865Asn; replaces serine 865 with asparagine.
Molecular consequence: missense variant.
Genome position (GRCh38, 1-based): chr1:10,324,814, G>A. VCF-style: chr1-10324814-G-A. GRCh37 (hg19) VCF-style: chr1-10384872-G-A.
Other names: c.2594G>A, p.Ser865Asn (NM_001365952.1); c.2456G>A, p.Ser819Asn (NM_015074.3); short protein forms S819N, S865N.
Identifiers: ClinVar variation 1791551 (VCV001791551.8), dbSNP rs573774777, ClinGen allele CA581564.